The following is an entry in ClinVar:

ClinVar aggregate classification (germline): Uncertain significance. Review status: criteria provided, multiple submitters, no conflicts (2 of 4 stars). 2 submissions from 2 submitters: Uncertain significance (2). Last evaluated 2024-11-01.

Conditions:
Ataxia-telangiectasia syndrome (AT). Also called: Ataxia-telangiectasia, complementation group D; AT, COMPLEMENTATION GROUP C; ATAXIA-TELANGIECTASIA, COMPLEMENTATION GROUP A; ATAXIA-TELANGIECTASIA, FRESNO VARIANT; Ataxia-telangiectasia, complementation group E; LOUIS-BAR SYNDROME. Identifiers: Orphanet 100, MedGen C0004135, MONDO:0008840, OMIM 208900.
Hereditary cancer-predisposing syndrome. Also called: Tumor predisposition; Hereditary Cancer Syndrome; Hereditary neoplastic syndrome; Neoplastic Syndromes, Hereditary. Identifiers: Orphanet 140162, MedGen C0027672, MeSH D009386, MONDO:0015356.

Submissions (2):

Ambry Genetics
Classification: Uncertain significance for Hereditary cancer-predisposing syndrome. Last evaluated: 2024-11-01. Review status: criteria provided, single submitter. Criteria: Ambry Variant Classification Scheme 2023. Collection method: clinical testing. Allele origin: germline.
Comment: The p.E2449Q variant (also known as c.7345G>C), located in coding exon 49 of the ATM gene, results from a G to C substitution at nucleotide position 7345. The glutamic acid at codon 2449 is replaced by glutamine, an amino acid with highly similar properties. This amino acid position is conserved. In addition, this alteration is predicted to be tolerated by in silico analysis. Based on the available evidence, the clinical significance of this variant remains unclear.

Labcorp Genetics (formerly Invitae), Labcorp
Classification: Uncertain significance for Ataxia-telangiectasia syndrome. Last evaluated: 2024-07-20. Review status: criteria provided, single submitter. Criteria: Invitae Variant Classification Sherloc (09022015). Collection method: clinical testing. Allele origin: germline.
Comment: This sequence change replaces glutamic acid, which is acidic and polar, with glutamine, which is neutral and polar, at codon 2449 of the ATM protein (p.Glu2449Gln). This variant is not present in population databases (gnomAD no frequency). This variant has not been reported in the literature in individuals affected with ATM-related conditions. ClinVar contains an entry for this variant (Variation ID: 1996560). An algorithm developed to predict the effect of missense changes on protein structure and function (PolyPhen-2) suggests that this variant is likely to be disruptive. In summary, the available evidence is currently insufficient to determine the role of this variant in disease. Therefore, it has been classified as a Variant of Uncertain Significance.

NM_000051.4(ATM):c.7345G>C (p.Glu2449Gln)

Genes: ATM (ATM serine/threonine kinase; plus strand), C11orf65 (chromosome 11 open reading frame 65; minus strand). Cytogenetic location: 11q22.3.
Variant type: single nucleotide variant.
Coding change: c.7345G>C on transcript NM_000051.4 (MANE Select); coding-DNA position 7345, G replaced by C.
Protein change: p.Glu2449Gln; replaces glutamic acid 2449 with glutamine.
Molecular consequence: missense variant. On other transcripts: intron variant (2).
Genome position (GRCh38, 1-based): chr11:108,330,251, G>C. VCF-style: chr11-108330251-G-C. GRCh37 (hg19) VCF-style: chr11-108200978-G-C.
Other names: c.7345G>C, p.Glu2449Gln (NM_001351834.2); c.641-21180C>G (NM_001330368.2); c.*38+4969C>G (NM_001351110.2); short protein forms E2449Q.
Identifiers: ClinVar variation 1996560 (VCV001996560.5), dbSNP rs2136454078, ClinGen allele CA382559932.